The following is an entry in ClinVar:

ClinVar aggregate classification (germline): Uncertain significance. Review status: criteria provided, multiple submitters, no conflicts (2 of 4 stars). 6 submissions from 6 submitters: Uncertain significance (6). Last evaluated 2026-08-07.

Conditions:
TJP2-related disorder. Also called: TJP2-related condition.
Inborn genetic diseases. Identifiers: MedGen C0950123, MeSH D030342.

Allele frequency attached by ClinVar (database versions not stated): ESP Exome Variant Server 0.00008; ExAC 0.00010; gnomAD exomes 0.00011; gnomAD 0.00012 and 0.00013; 1000 Genomes Project 30x 0.00016; 1000 Genomes Project 0.00020; TOPMed 0.00025.
gnomAD v4.1: 190 of 1,613,784 alleles (0.012%); highest among the groups gnomAD compares: Middle Eastern, 0.049%; no homozygotes.

Submissions (6):

GeneDx
Classification: Uncertain significance. Last evaluated: 2026-08-07. Review status: criteria provided, single submitter. Criteria: GeneDx Variant Classification Process June 2021. Collection method: clinical testing. Allele origin: germline.
Comment: In silico analysis suggests that this missense variant does not alter protein structure/function; Has not been previously published as pathogenic or benign to our knowledge

PreventionGenetics, part of Exact Sciences
Classification: Uncertain significance for TJP2-related condition. Last evaluated: 2026-02-04. Review status: criteria provided, single submitter. Criteria: ACMG Guidelines, 2015. Collection method: clinical testing. Allele origin: germline.
Comment: The TJP2 c.2335G>A variant is predicted to result in the amino acid substitution p.Val779Met. To our knowledge, this variant has not been reported in the literature. This variant is reported in 0.037% of alleles in individuals of Latino descent in gnomAD. At this time, the clinical significance of this variant is uncertain due to the absence of conclusive functional and genetic evidence.

Labcorp Genetics (formerly Invitae), Labcorp
Classification: Uncertain significance. Last evaluated: 2022-10-13. Review status: criteria provided, single submitter. Criteria: Invitae Variant Classification Sherloc (09022015). Collection method: clinical testing. Allele origin: germline.
Comment: This sequence change replaces valine, which is neutral and non-polar, with methionine, which is neutral and non-polar, at codon 779 of the TJP2 protein (p.Val779Met). This variant is present in population databases (rs145368713, gnomAD 0.04%). This variant has not been reported in the literature in individuals affected with TJP2-related conditions. ClinVar contains an entry for this variant (Variation ID: 502683). Advanced modeling of protein sequence and biophysical properties (such as structural, functional, and spatial information, amino acid conservation, physicochemical variation, residue mobility, and thermodynamic stability) performed at Invitae indicates that this missense variant is not expected to disrupt TJP2 protein function. In summary, the available evidence is currently insufficient to determine the role of this variant in disease. Therefore, it has been classified as a Variant of Uncertain Significance.

Mayo Clinic Laboratories, Mayo Clinic
Classification: Uncertain significance. Last evaluated: 2022-02-24. Review status: criteria provided, single submitter. Criteria: ACMG Guidelines, 2015. Collection method: clinical testing. Allele origin: germline. Observed: 2 variant alleles.
Comment: PM2

Ambry Genetics
Classification: Uncertain significance for Inborn genetic diseases. Last evaluated: 2021-10-12. Review status: criteria provided, single submitter. Criteria: Ambry Variant Classification Scheme 2023. Collection method: clinical testing. Allele origin: germline.

Eurofins Ntd Llc (ga)
Classification: Uncertain significance. Last evaluated: 2018-08-23. Review status: criteria provided, single submitter. Criteria: EGL ClinVar v180209 classification definitions. Collection method: clinical testing. Allele origin: germline. Observed: 2 variant alleles, 2 heterozygotes.

NM_004817.4(TJP2):c.2335G>A (p.Val779Met)

Gene: TJP2 (tight junction protein 2; plus strand). Cytogenetic location: 9q21.11.
Variant type: single nucleotide variant.
Coding change: c.2335G>A on transcript NM_004817.4 (MANE Select); coding-DNA position 2335, G replaced by A.
Protein change: p.Val779Met; replaces valine 779 with methionine.
Molecular consequence: missense variant.
Genome position (GRCh38, 1-based): chr9:69,238,769, G>A. VCF-style: chr9-69238769-G-A. GRCh37 (hg19) VCF-style: chr9-71853685-G-A.
Other names: p.Val779Met; c.2266G>A, p.Val756Met (NM_001170414.2, NM_001369871.1); c.2347G>A, p.Val783Met (NM_001170415.1, NM_001369874.1, NM_001369875.1); c.2428G>A, p.Val810Met (NM_001170416.2); c.2260G>A, p.Val754Met (NM_001369870.1); c.2335G>A, p.Val779Met (NM_001369872.1, NM_001369873.1, NM_201629.3 and 1 more transcripts); short protein forms V779M, V756M, V783M, V810M, V754M.
Identifiers: ClinVar variation 502683 (VCV000502683.17), dbSNP rs145368713, ClinGen allele CA5073645.